The following is an entry in ClinVar:

NM_000135.4(FANCA):c.1430T>A (p.Leu477Ter)

Gene: FANCA (FA complementation group A; minus strand). Cytogenetic location: 16q24.3.
Variant type: single nucleotide variant.
Coding change: c.1430T>A on transcript NM_000135.4 (MANE Select); coding-DNA position 1430, T replaced by A.
Protein change: p.Leu477Ter; replaces leucine 477 with a stop codon.
Molecular consequence: nonsense.
Genome position (GRCh38, 1-based): chr16:89,784,894, A>T on the plus strand (T>A on the coding strand, the complement: FANCA is on the minus strand). VCF-style: chr16-89784894-A-T. GRCh37 (hg19) VCF-style: chr16-89851302-A-T.
Other names: c.1430T>A, p.Leu477Ter (NM_001286167.3); short protein forms L477*.
Identifiers: ClinVar variation 5015371 (VCV005015371.1).

ClinVar aggregate classification (germline): Pathogenic (1 of 4 stars; one submission).

Conditions:
Fanconi anemia complementation group A (FANCA). Also called: Fanconi anemia, group A; FANCA-Related Fanconi Anemia. Identifiers: Orphanet 84, MedGen C3469521, MONDO:0009215, OMIM 227650.

gnomAD v4.1: 1 of 1,614,164 alleles (0.000062%); highest among the groups gnomAD compares: African/African-American, 0.0013%; no homozygotes.

Submission:

Myriad Genetics, Inc.
Classification: Pathogenic for Fanconi anemia complementation group A. Last evaluated: 2025-12-25. Review status: criteria provided, single submitter. Criteria: Myriad Autosomal Dominant, Autosomal Recessive and X-Linked Classification Criteria (2023). Collection method: clinical testing. Allele origin: unknown.
Comment: NM_000135.2(FANCA):c.1430T>A(L477*) is expected to be pathogenic in the context of Fanconi anemia complementation group A. This variant is predicted to lead to an abnormal or absent protein product due to the creation of a premature termination codon in FANCA, a gene where loss-of-function variants are known to be pathogenic. Please note: this variant was assessed in the context of healthy population screening.